The following is an entry in ClinVar:

ClinVar aggregate classification (germline): Uncertain significance (1 of 4 stars; one submission).

Conditions:
Neutral lipid storage myopathy (NLSDM). Also called: NEUTRAL LIPID STORAGE DISEASE WITHOUT ICHTHYOSIS. Identifiers: Orphanet 98908, MedGen C1853136, MONDO:0012545, OMIM 610717.

Allele frequency attached by ClinVar (database versions not stated): gnomAD exomes below 0.00001; TOPMed 0.00001; gnomAD 0.00002.
gnomAD v4.1: 8 of 1,559,276 alleles (0.00051%); highest among the groups gnomAD compares: African/African-American, 0.0068%; no homozygotes.

Submission:

Labcorp Genetics (formerly Invitae), Labcorp
Classification: Uncertain significance for Neutral lipid storage myopathy. Last evaluated: 2019-12-16. Review status: criteria provided, single submitter. Criteria: Invitae Variant Classification Sherloc (09022015). Collection method: clinical testing. Allele origin: germline.
Comment: In summary, the available evidence is currently insufficient to determine the role of this variant in disease. Therefore, it has been classified as a Variant of Uncertain Significance. Algorithms developed to predict the effect of missense changes on protein structure and function output the following: SIFT: "Tolerated"; PolyPhen-2: "Possibly Damaging"; Align-GVGD: "Class C0". The serine amino acid residue is found in multiple mammalian species, suggesting that this missense change does not adversely affect protein function. These predictions have not been confirmed by published functional studies and their clinical significance is uncertain. This variant has not been reported in the literature in individuals with PNPLA2-related conditions. The frequency data for this variant in the population databases is considered unreliable, as metrics indicate insufficient coverage at this position in the ExAC database. This sequence change replaces proline with serine at codon 471 of the PNPLA2 protein (p.Pro471Ser). The proline residue is weakly conserved and there is a moderate physicochemical difference between proline and serine.

NM_020376.4(PNPLA2):c.1411C>T (p.Pro471Ser)

Gene: PNPLA2 (patatin like domain 2, triacylglycerol lipase; plus strand). Cytogenetic location: 11p15.5.
Variant type: single nucleotide variant.
Coding change: c.1411C>T on transcript NM_020376.4 (MANE Select); coding-DNA position 1411, C replaced by T.
Protein change: p.Pro471Ser; replaces proline 471 with serine.
Molecular consequence: missense variant.
Genome position (GRCh38, 1-based): chr11:824,758, C>T. VCF-style: chr11-824758-C-T. GRCh37 (hg19) VCF-style: chr11-824758-C-T.
Other names: short protein forms P471S.
Identifiers: ClinVar variation 836843 (VCV000836843.9), dbSNP rs910321788, ClinGen allele CA216972383.